The following is an entry in ClinVar:

NM_153676.4(USH1C):c.1099G>T (p.Glu367Ter)

Gene: USH1C (USH1 protein network component harmonin; minus strand). Cytogenetic location: 11p15.1.
Variant type: single nucleotide variant.
Coding change: c.1099G>T on transcript NM_153676.4 (MANE Select); coding-DNA position 1099, G replaced by T.
Protein change: p.Glu367Ter; replaces glutamic acid 367 with a stop codon.
Molecular consequence: nonsense. On other transcripts: non-coding transcript variant (1).
Genome position (GRCh38, 1-based): chr11:17,520,981, C>A on the plus strand (G>T on the coding strand, the complement: USH1C is on the minus strand). VCF-style: chr11-17520981-C-A. GRCh37 (hg19) VCF-style: chr11-17542528-C-A.
Other names: c.1042G>T, p.Glu348Ter (NM_001297764.2); c.1099G>T, p.Glu367Ter (NM_005709.4); short protein forms E348*, E367*.
Identifiers: ClinVar variation 1075119 (VCV001075119.9), dbSNP rs2133868490, ClinGen allele CA379784711.
Genomic context (GRCh38, chr11:17,520,981, plus strand): 5'-GCAAGAGTAGCTGTTCCTTTGAGCCCCAGTCTTCTTCCCATTGCTTCTTAAACTTCTCTT[C>A]CTCCTCTACAATCCTAAAATGAGACCCCCATGCCTGTTACTGGAGTCAGAACCCCCATAG-3'

ClinVar aggregate classification (germline): Pathogenic. Review status: criteria provided, multiple submitters, no conflicts (2 of 4 stars). 3 submissions from 3 submitters: Pathogenic (3). Last evaluated 2025-05-16.

Conditions:
Usher syndrome type 1C. Also called: USHER SYNDROME, TYPE I, ACADIAN VARIETY. Identifiers: Orphanet 231169, Orphanet 886, MedGen C1848604, MONDO:0010171, OMIM 276904.

Submissions (3):

Myriad Genetics, Inc.
Classification: Pathogenic for Usher syndrome type 1C. Last evaluated: 2025-05-16. Review status: criteria provided, single submitter. Criteria: Myriad Autosomal Dominant, Autosomal Recessive and X-Linked Classification Criteria (2023). Collection method: clinical testing. Allele origin: unknown.
Comment: NM_005709.3(USH1C):c.1099G>T(E367*) is expected to be pathogenic in the context of USH1C-related disorders. This variant is predicted to lead to an abnormal or absent protein product due to the creation of a premature termination codon in USH1C, a gene where loss-of-function variants are known to be pathogenic. Please note: this variant was assessed in the context of healthy population screening.

Labcorp Genetics (formerly Invitae), Labcorp
Classification: Pathogenic. Last evaluated: 2020-01-06. Review status: criteria provided, single submitter. Criteria: Invitae Variant Classification Sherloc (09022015). Collection method: clinical testing. Allele origin: germline.
Comment: For these reasons, this variant has been classified as Pathogenic. Loss-of-function variants in USH1C are known to be pathogenic (PMID: 10973247, 17407589, 20301442, 21203349). Algorithms developed to predict the effect of sequence changes on RNA splicing suggest that this variant may create or strengthen a splice site, but this prediction has not been confirmed by published transcriptional studies. This variant has not been reported in the literature in individuals with USH1C-related conditions. This variant is not present in population databases (ExAC no frequency). This sequence change creates a premature translational stop signal (p.Glu367*) in the USH1C gene. It is expected to result in an absent or disrupted protein product.

Laboratoire de Génétique Moléculaire, CHU Bordeaux
Classification: Pathogenic. Review status: criteria provided, single submitter. Criteria: ACMG Guidelines, 2015. Collection method: clinical testing. Allele origin: germline. Affected: yes.

Literature cited by the submitters: PubMed 10973247 (cited by Labcorp Genetics (formerly Invitae), Labcorp); PubMed 17407589 (cited by Labcorp Genetics (formerly Invitae), Labcorp); PubMed 20301442 (cited by Labcorp Genetics (formerly Invitae), Labcorp); PubMed 21203349 (cited by Labcorp Genetics (formerly Invitae), Labcorp).